The following is an entry in ClinVar:

NM_170741.4(KCNJ16):c.342C>T (p.Asn114=)

Gene: KCNJ16 (potassium inwardly rectifying channel subfamily J member 16; plus strand). Cytogenetic location: 17q24.3.
Variant type: single nucleotide variant.
Coding change: c.342C>T on transcript NM_170741.4 (MANE Select); coding-DNA position 342, C replaced by T.
Protein change: p.Asn114=; no amino-acid change (asparagine 114 retained).
Molecular consequence: synonymous variant.
Genome position (GRCh38, 1-based): chr17:70,132,429, C>T. VCF-style: chr17-70132429-C-T. GRCh37 (hg19) VCF-style: chr17-68128570-C-T.
Other names: c.342C>T, p.Asn114= (NM_001270422.2, NM_001291622.3, NM_001291623.2 and 4 more transcripts).
Identifiers: ClinVar variation 4821568 (VCV004821568.4).

ClinVar aggregate classification (germline): Likely benign (1 of 4 stars; one submission).

Submission:

CeGaT Center for Human Genetics Tuebingen
Classification: Likely benign. Last evaluated: 2026-03-01. Review status: criteria provided, single submitter. Criteria: CeGaT Center For Human Genetics Tuebingen Variant Classification Criteria Version 2. Collection method: clinical testing. Allele origin: germline. Affected: yes. Observed: 1 variant allele.
Comment: KCNJ16: BP4, BP7